The following is an entry in ClinVar:

ClinVar aggregate classification (germline): Uncertain significance (1 of 4 stars; one submission).

Conditions:
Primary dilated cardiomyopathy (DCM). Also called: Dilated Cardiomyopathy. Identifiers: Orphanet 217604, MedGen C0007193, MeSH D002311, MONDO:0005021, HP:0001644. Inheritance: Various modes of inheritance.

Allele frequency attached by ClinVar (database versions not stated): gnomAD exomes below 0.00001.
gnomAD v4.1: 2 of 1,591,774 alleles (0.00013%); highest among the groups gnomAD compares: South Asian, 0.0022%; no homozygotes.

Submission:

Labcorp Genetics (formerly Invitae), Labcorp
Classification: Uncertain significance for Primary dilated cardiomyopathy. Last evaluated: 2021-11-10. Review status: criteria provided, single submitter. Criteria: Invitae Variant Classification Sherloc (09022015). Collection method: clinical testing. Allele origin: germline.
Comment: Algorithms developed to predict the effect of missense changes on protein structure and function output the following: SIFT: "Tolerated"; PolyPhen-2: "Benign"; Align-GVGD: "Class C0". The asparagine amino acid residue is found in multiple mammalian species, which suggests that this missense change does not adversely affect protein function. This sequence change replaces histidine, which is basic and polar, with asparagine, which is neutral and polar, at codon 779 of the NEBL protein (p.His779Asn). This variant is present in population databases (no rsID available, gnomAD 0.003%). This variant has not been reported in the literature in individuals affected with NEBL-related conditions. In summary, the available evidence is currently insufficient to determine the role of this variant in disease. Therefore, it has been classified as a Variant of Uncertain Significance.

NM_006393.3(NEBL):c.2335C>A (p.His779Asn)

Gene: NEBL (nebulette; minus strand). Cytogenetic location: 10p12.31.
Variant type: single nucleotide variant.
Coding change: c.2335C>A on transcript NM_006393.3 (MANE Select); coding-DNA position 2335, C replaced by A.
Protein change: p.His779Asn; replaces histidine 779 with asparagine.
Molecular consequence: missense variant. On other transcripts: intron variant (9).
Genome position (GRCh38, 1-based): chr10:20,813,950, G>T on the plus strand (C>A on the coding strand, the complement: NEBL is on the minus strand). VCF-style: chr10-20813950-G-T. GRCh37 (hg19) VCF-style: chr10-21102879-G-T.
Other names: c.250-1010C>A (NM_001377326.1, NM_001377327.1, NM_001377328.1); c.358-1010C>A (NM_213569.2, NM_001173484.2, NM_001377322.1); c.301-1010C>A (NM_001377324.1); c.292-1010C>A (NM_001377325.1); c.310-1010C>A (NM_001377323.1); short protein forms H779N.
Identifiers: ClinVar variation 1424313 (VCV001424313.8), dbSNP rs1438423663, ClinGen allele CA376093587.